The following is an entry in ClinVar:

NM_001171613.2(PREPL):c.-49+1665A>G

Gene: PREPL (prolyl endopeptidase like; minus strand). Cytogenetic location: 2p21.
Variant type: single nucleotide variant.
Coding change: c.-49+1665A>G on transcript NM_001171613.2 (MANE Select); 1665 bases into the intron after 49 bases upstream of the start codon, A replaced by G.
Molecular consequence: intron variant. On other transcripts: missense variant (7), initiator codon variant (7).
Genome position (GRCh38, 1-based): chr2:44,359,715, T>C on the plus strand (A>G on the coding strand, the complement: PREPL is on the minus strand). VCF-style: chr2-44359715-T-C. GRCh37 (hg19) VCF-style: chr2-44586854-T-C.
Other names: c.1A>G, p.Met1Val (NM_001042385.2, NM_001042386.2, NM_001171603.1 and 4 more transcripts); c.-49+1809A>G (NM_001171617.1); c.-49+1702A>G (NM_001374277.1); short protein forms M1V.
Identifiers: ClinVar variation 1464239 (VCV001464239.5), dbSNP rs766377212, ClinGen allele CA346695215.

ClinVar aggregate classification (germline): Uncertain significance (1 of 4 stars; one submission).

Conditions:
Myasthenic syndrome, congenital, 22 (CMS22). Also called: PREPL DEFICIENCY. Identifiers: MedGen C4479088, MONDO:0044299, OMIM 616224.

gnomAD v4.1: 5 of 1,599,772 alleles (0.00031%); highest among the groups gnomAD compares: South Asian, 0.0011%; no homozygotes.

Submission:

Labcorp Genetics (formerly Invitae), Labcorp
Classification: Uncertain significance for Myasthenic syndrome, congenital, 22. Last evaluated: 2024-11-11. Review status: criteria provided, single submitter. Criteria: Invitae Variant Classification Sherloc (09022015). Collection method: clinical testing. Allele origin: germline.
Comment: This sequence change affects the initiator methionine of the PREPL mRNA. The next in-frame methionine is located at codon 23. This variant is not present in population databases (gnomAD no frequency). This variant has not been reported in the literature in individuals affected with PREPL-related conditions. ClinVar contains an entry for this variant (Variation ID: 1464239). Experimental studies and prediction algorithms are not available or were not evaluated, and the functional significance of this variant is currently unknown. In summary, the available evidence is currently insufficient to determine the role of this variant in disease. Therefore, it has been classified as a Variant of Uncertain Significance.